The following is an entry in ClinVar:

NM_001098816.3(TENM4):c.2827T>G (p.Phe943Val)

Gene: TENM4 (teneurin transmembrane protein 4; minus strand). Cytogenetic location: 11q14.1.
Variant type: single nucleotide variant.
Coding change: c.2827T>G on transcript NM_001098816.3 (MANE Select); coding-DNA position 2827, T replaced by G.
Protein change: p.Phe943Val; replaces phenylalanine 943 with valine.
Molecular consequence: missense variant.
Genome position (GRCh38, 1-based): chr11:78,738,500, A>C on the plus strand (T>G on the coding strand, the complement: TENM4 is on the minus strand). VCF-style: chr11-78738500-A-C. GRCh37 (hg19) VCF-style: chr11-78449545-A-C.
Other names: short protein forms F943V.
Identifiers: ClinVar variation 5005001 (VCV005005001.2).

ClinVar aggregate classification (germline): Uncertain significance (1 of 4 stars; one submission).

Conditions:
Tremor, hereditary essential, 5 (ETM5). Identifiers: MedGen C4225223, MONDO:0014756, OMIM 616736.

Submission:

Juno Genomics, Hangzhou Juno Genomics, Inc
Classification: Uncertain significance for Tremor, hereditary essential, 5. Review status: criteria provided, single submitter. Criteria: ACMG Guidelines, 2015. Collection method: clinical testing. Allele origin: germline.
Comment: Absent from controls (or at extremely low frequency if recessive) in Genome Aggregation Database.;Missense variant in a gene that has a low rate of benign missense variation.